The following is an entry in ClinVar:

ClinVar aggregate classification (germline): Uncertain significance (1 of 4 stars; one submission).

Submission:

Labcorp Genetics (formerly Invitae), Labcorp
Classification: Uncertain significance. Last evaluated: 2025-09-07. Review status: criteria provided, single submitter. Criteria: Invitae Variant Classification Sherloc (09022015). Collection method: clinical testing. Allele origin: germline.
Comment: This sequence change replaces aspartic acid, which is acidic and polar, with asparagine, which is neutral and polar, at codon 262 of the PRPF4 protein (p.Asp262Asn). This variant is not present in population databases (gnomAD no frequency). This variant has not been reported in the literature in individuals affected with PRPF4-related conditions. ClinVar contains an entry for this variant (Variation ID: 1506286). An algorithm developed to predict the effect of missense changes on protein structure and function (PolyPhen-2) suggests that this variant is likely to be disruptive. In summary, the available evidence is currently insufficient to determine the role of this variant in disease. Therefore, it has been classified as a Variant of Uncertain Significance.

NM_001244926.2(PRPF4):c.781G>A (p.Asp261Asn)

Gene: PRPF4 (pre-mRNA splicing tri-snRNP complex factor PRPF4; plus strand). Cytogenetic location: 9q32.
Variant type: single nucleotide variant.
Coding change: c.781G>A on transcript NM_001244926.2 (MANE Select); coding-DNA position 781, G replaced by A.
Protein change: p.Asp261Asn; replaces aspartic acid 261 with asparagine.
Molecular consequence: missense variant. On other transcripts: non-coding transcript variant (2).
Genome position (GRCh38, 1-based): chr9:113,286,263, G>A. VCF-style: chr9-113286263-G-A. GRCh37 (hg19) VCF-style: chr9-116048543-G-A.
Other names: c.55G>A, p.Asp19Asn (NM_001322266.2, NM_001322267.2); c.784G>A, p.Asp262Asn (NM_004697.5); short protein forms D19N, D261N, D262N.
Identifiers: ClinVar variation 1506286 (VCV001506286.8), dbSNP rs1454573510, ClinGen allele CA374553838.
Genomic context (GRCh38, chr9:113,286,263, plus strand): 5'-GCTGAGATGCTTTCCTTTGTATTTGATAGGAGTGGGCTTTGCAAGCTCTGGTCTGTTCCT[G>A]ATTGCAACCTCCTTCACACTCTTCGAGGTAAGTTAGAGTCTTATCCAAATCTCGGTCTTT-3'
Protein context (NP_001231855.1, residues 251-271): SGLCKLWSVP[Asp261Asn]CNLLHTLRGH